The following is an entry in ClinVar:

ClinVar aggregate classification (germline): Likely pathogenic. Review status: criteria provided, multiple submitters, no conflicts (2 of 4 stars). 3 submissions from 3 submitters: Likely pathogenic (2). 1 of the submissions does not count toward it. Last evaluated 2024-09-22.

Conditions:
Combined immunodeficiency due to LRBA deficiency. Also called: Common variable immunodeficiency 8, with autoimmunity. Identifiers: Orphanet 445018, MedGen C3553512, MONDO:0013863, OMIM 614700.

Submissions (3):

Genomic Medicine Center of Excellence, King Faisal Specialist Hospital and Research Centre
Classification: Likely pathogenic for Combined immunodeficiency due to LRBA deficiency. Last evaluated: 2024-09-22. Review status: criteria provided, single submitter. Criteria: ACMG Guidelines, 2015. Collection method: clinical testing. Allele origin: germline.

Neuberg Centre For Genomic Medicine, NCGM
Classification: Likely pathogenic for Combined immunodeficiency due to LRBA deficiency. Review status: criteria provided, single submitter. Criteria: ACMG Guidelines, 2015. Collection method: clinical testing. Allele origin: germline. Inheritance: Autosomal recessive inheritance. Affected: yes.
Comment: The frameshift c.4759_4762delp.Thr1587ArgfsTer28 variant in LRBA gene has not been reported previously as a pathogenic variant nor a benign variant, to our knowledge. The p.Thr1587ArgfsTer28 variant is novel not in any individuals in gnomAD Exomes and 1000 Genomes. This variant has not been reported to the ClinVar database. This variant causes a frameshift starting with codon Threonine 1587, changes this amino acid to Arginine residue, and creates a premature Stop codon at position 28 of the new reading frame, denoted p.Thr1587ArgfsTer28. This variant is predicted to cause loss of normal protein function through protein truncation. Loss of function variants have been previously reported to be disease causing. For these reasons, this variant has been classified as Likely Pathogenic.

National Institute of Immunohaematology, Indian Council of Medical Research
Classification: Likely pathogenic for Combined immunodeficiency due to LRBA deficiency. Review status: no assertion criteria provided. Collection method: research. Allele origin: germline. Inheritance: Autosomal recessive inheritance. Affected: yes. Observed: 1 homozygote. Not counted in ClinVar's aggregate classification.
Comment: The Thr1587ArgfsTer28 has been absent from publicly available databases. It is a frameshift variant leading to premature termination. Insilico prediction of the variant is pathogenic.

Literature cited by the submitters: DOI 10.22541/AU.167602149.93712918/V1 (cited by National Institute of Immunohaematology, Indian Council of Medical Research).

NM_001364905.1(LRBA):c.4759_4762del (p.Thr1587fs)

Gene: LRBA (LPS responsive beige-like anchor protein; minus strand). Cytogenetic location: 4q31.3.
Variant type: Deletion.
Coding change: c.4759_4762del on transcript NM_001364905.1 (MANE Select); coding-DNA positions 4759 to 4762, 4 bases deleted (ACTA; older notation c.4759_4762delACTA).
Protein change: p.Thr1587fs; shifts the reading frame from threonine 1587.
Molecular consequence: frameshift variant.
Genome position (GRCh38, 1-based): chr4:150,828,589-150,828,592, TAGT deleted on the plus strand (ACTA on the coding strand, the reverse complement: LRBA is on the minus strand); deleting any 4 consecutive bases within chr4:150,828,589-150,828,594 gives the same sequence; the c. name uses the placement nearest the transcript's 3' end. VCF-style (leftmost placement, unchanged base first): chr4-150828588-GTAGT-G. GRCh37 (hg19) VCF-style: chr4-151749740-GTAGT-G.
Other names: c.4757_4760delTAAC, p.Thr1587Argfs (NM_006726.5, NM_001199282.3); c.4759_4762del, p.Thr1587fs (NM_001367550.1); c.4759_4762delACTA (NM_006726.4); short protein forms T1587fs.
Identifiers: ClinVar variation 3235014 (VCV003235014.4), dbSNP rs747652653, ClinGen allele CA3102650.